The following is an entry in ClinVar:

NM_000293.3(PHKB):c.555G>T (p.Met185Ile)

Gene: PHKB (phosphorylase kinase regulatory subunit beta; plus strand). Cytogenetic location: 16q12.1.
Variant type: single nucleotide variant.
Coding change: c.555G>T on transcript NM_000293.3 (MANE Select); coding-DNA position 555, G replaced by T.
Protein change: p.Met185Ile; replaces methionine 185 with isoleucine.
Molecular consequence: missense variant.
Genome position (GRCh38, 1-based): chr16:47,515,562, G>T. VCF-style: chr16-47515562-G-T. GRCh37 (hg19) VCF-style: chr16-47549473-G-T.
Other names: c.534G>T, p.Met178Ile (NM_001031835.3); c.555G>T, p.Met185Ile (NM_001363837.1); short protein forms M185I, M178I.
Identifiers: ClinVar variation 198067 (VCV000198067.56), dbSNP rs56257827, ClinGen allele CA203211.
Genomic context (GRCh38, chr16:47,515,562, plus strand): 5'-ATGTTTCTGTTTGTTGCAGATAAATGCAGTGTCACTTTATCTCCTTTACCTTGTGGAAAT[G>T]ATTTCCTCAGGACTCCAGATTATCTACAACACTGATGAGGTATGCTTTCCCCAAATTTTC-3'
Protein context (NP_000284.1, residues 175-195): VSLYLLYLVE[Met185Ile]ISSGLQIIYN

ClinVar aggregate classification (germline): Benign/Likely benign. Review status: criteria provided, multiple submitters, no conflicts (2 of 4 stars). 14 submissions from 14 submitters: Benign (6); Likely benign (6). 2 of the submissions do not count toward it. Last evaluated 2026-07-01.

Conditions:
Glycogen storage disease IXb (GSD9B). Also called: GLYCOGENOSIS OF LIVER AND MUSCLE, AUTOSOMAL RECESSIVE; GSD IXb; PHOSPHORYLASE KINASE DEFICIENCY OF LIVER AND MUSCLE, AUTOSOMAL RECESSIVE. Identifiers: Orphanet 79240, MedGen C0543514, MONDO:0009868, OMIM 261750.

Allele frequency attached by ClinVar (database versions not stated): 1000 Genomes Project 0.00359; 1000 Genomes Project 30x 0.00359; TOPMed 0.00920; gnomAD 0.00994 and 0.01025; ESP Exome Variant Server 0.01085; gnomAD exomes 0.01089 and 0.01115; ExAC 0.01105.

Submissions 1 to 29 of 58:

CeGaT Center for Human Genetics Tuebingen
Classification: Benign. Last evaluated: 2026-07-01. Review status: criteria provided, single submitter. Criteria: CeGaT Center For Human Genetics Tuebingen Variant Classification Criteria Version 2. Collection method: clinical testing. Allele origin: germline. Affected: yes. Observed: 31 variant alleles.
Comment: PHKB: BS1, BS2

Labcorp Genetics (formerly Invitae), Labcorp
Classification: Benign for Glycogen storage disease IXb. Last evaluated: 2026-02-02. Review status: criteria provided, single submitter. Criteria: Invitae Variant Classification Sherloc (09022015). Collection method: clinical testing. Allele origin: germline.

ARUP Laboratories, Molecular Genetics and Genomics, ARUP Laboratories
Classification: Benign for Glycogen storage disease IXb. Last evaluated: 2025-07-31. Review status: criteria provided, single submitter. Criteria: ARUP Molecular Germline Variant Investigation Process 2024. Collection method: clinical testing. Allele origin: germline.

Women's Health and Genetics/Laboratory Corporation of America, LabCorp
Classification: Likely benign. Last evaluated: 2021-12-10. Review status: criteria provided, single submitter. Criteria: LabCorp Variant Classification Summary - May 2015. Collection method: clinical testing. Allele origin: germline.

Fulgent Genetics
Classification: Likely benign for Glycogen storage disease IXb. Last evaluated: 2021-10-21. Review status: criteria provided, single submitter. Criteria: ACMG Guidelines, 2015. Collection method: clinical testing. Allele origin: unknown.

GeneDx
Classification: Likely benign. Last evaluated: 2017-12-13. Review status: criteria provided, single submitter. Criteria: GeneDx Variant Classification (06012015). Collection method: clinical testing. Allele origin: germline. Affected: yes.
Comment: This variant is considered likely benign or benign based on one or more of the following criteria: it is a conservative change, it occurs at a poorly conserved position in the protein, it is predicted to be benign by multiple in silico algorithms, and/or has population frequency not consistent with disease.

Center for Pediatric Genomic Medicine, Children's Mercy Hospital and Clinics
Classification: Likely benign. Last evaluated: 2017-05-30. Review status: criteria provided, single submitter. Criteria: ACMG Guidelines, 2015. Collection method: clinical testing. Allele origin: germline.

Illumina Laboratory Services, Illumina
Classification: Likely benign for Glycogen storage disease IXb. Last evaluated: 2017-04-27. Review status: criteria provided, single submitter. Criteria: ICSL Variant Classification Criteria 13 December 2019. Collection method: clinical testing. Allele origin: germline.
Comment: This variant was observed as part of a predisposition screen in an ostensibly healthy population. A literature search was performed for the gene, cDNA change, and amino acid change (where applicable). Publications were found based on this search. The evidence from the literature, in combination with allele frequency data from public databases where available, was sufficient to determine this variant is unlikely to cause disease. Therefore, this variant is classified as likely benign.

Genomic Diagnostic Laboratory, Division of Genomic Diagnostics, Children's Hospital of Philadelphia
Classification: Benign. Last evaluated: 2015-08-24. Review status: criteria provided, single submitter. Criteria: DGD Variant Analysis Guidelines. Collection method: clinical testing. Allele origin: unknown.

Eurofins Ntd Llc (ga)
Classification: Benign. Last evaluated: 2015-05-26. Review status: criteria provided, single submitter. Criteria: EGL Classification Definitions 2015. Collection method: clinical testing. Allele origin: germline. Observed: 2 variant alleles, 2 heterozygotes.

Breakthrough Genomics
Classification: Likely benign. Review status: criteria provided, single submitter. Criteria: ACMG Guidelines, 2015. Collection method: not provided. Allele origin: germline. Inheritance: Autosomal recessive inheritance. Affected: yes.

Broad Center for Mendelian Genomics, Broad Institute of MIT and Harvard
Classification: Benign for Glycogen storage disease IXb. Review status: criteria provided, single submitter. Criteria: ACMG Guidelines, 2015. Collection method: research. Allele origin: germline. Inheritance: Autosomal recessive inheritance. Affected: yes.
Comment: The heterozygous p.Met185Ile in PHKB has been identified in an individual with liver glycogenosis but no other variant in the gene was identified (PMID: 17689125). This variant has also been identified in >1% of European (non-Finnish) chromosomes and 17 homozygotes by ExAC. In summary, this variant meets criteria to be classified as benign for autosomal recessive liver glycogenosis.

Mayo Clinic Laboratories, Mayo Clinic
Classification: Uncertain significance. Last evaluated: 2015-12-16. Review status: no assertion criteria provided. Collection method: clinical testing. Allele origin: unknown. Not counted in ClinVar's aggregate classification.

Dr. Peter K. Rogan Lab, Western University
No classification provided (evidence only). Condition: Lung cancer. Review status: no classification provided. Collection method: in vitro. Allele origin: not applicable. Functional consequence: retained intron. Not counted in ClinVar's aggregate classification.

Dr. Peter K. Rogan Lab, Western University
No classification provided (evidence only). Condition: Lung cancer. Review status: no classification provided. Collection method: in vitro. Allele origin: not applicable. Functional consequence: retained intron. Not counted in ClinVar's aggregate classification.

Dr. Peter K. Rogan Lab, Western University
No classification provided (evidence only). Condition: Lung cancer. Review status: no classification provided. Collection method: in vitro. Allele origin: not applicable. Functional consequence: retained intron. Not counted in ClinVar's aggregate classification.

Dr. Peter K. Rogan Lab, Western University
No classification provided (evidence only). Condition: Lung cancer. Review status: no classification provided. Collection method: in vitro. Allele origin: not applicable. Functional consequence: retained intron. Not counted in ClinVar's aggregate classification.

Dr. Peter K. Rogan Lab, Western University
No classification provided (evidence only). Condition: Lung cancer. Review status: no classification provided. Collection method: in vitro. Allele origin: not applicable. Functional consequence: retained intron. Not counted in ClinVar's aggregate classification.

Dr. Peter K. Rogan Lab, Western University
No classification provided (evidence only). Condition: Lung cancer. Review status: no classification provided. Collection method: in vitro. Allele origin: not applicable. Functional consequence: retained intron. Not counted in ClinVar's aggregate classification.

Dr. Peter K. Rogan Lab, Western University
No classification provided (evidence only). Condition: Lung cancer. Review status: no classification provided. Collection method: in vitro. Allele origin: not applicable. Functional consequence: retained intron. Not counted in ClinVar's aggregate classification.

Dr. Peter K. Rogan Lab, Western University
No classification provided (evidence only). Condition: Lung cancer. Review status: no classification provided. Collection method: in vitro. Allele origin: not applicable. Functional consequence: retained intron. Not counted in ClinVar's aggregate classification.

Dr. Peter K. Rogan Lab, Western University
No classification provided (evidence only). Condition: Lung cancer. Review status: no classification provided. Collection method: in vitro. Allele origin: not applicable. Functional consequence: retained intron. Not counted in ClinVar's aggregate classification.

Dr. Peter K. Rogan Lab, Western University
No classification provided (evidence only). Condition: Lung cancer. Review status: no classification provided. Collection method: in vitro. Allele origin: not applicable. Functional consequence: retained intron. Not counted in ClinVar's aggregate classification.

Dr. Peter K. Rogan Lab, Western University
No classification provided (evidence only). Condition: Melanoma. Review status: no classification provided. Collection method: in vitro. Allele origin: not applicable. Functional consequence: retained intron. Not counted in ClinVar's aggregate classification.

Dr. Peter K. Rogan Lab, Western University
No classification provided (evidence only). Condition: Melanoma. Review status: no classification provided. Collection method: in vitro. Allele origin: not applicable. Functional consequence: retained intron. Not counted in ClinVar's aggregate classification.

Dr. Peter K. Rogan Lab, Western University
No classification provided (evidence only). Condition: Melanoma. Review status: no classification provided. Collection method: in vitro. Allele origin: not applicable. Functional consequence: retained intron. Not counted in ClinVar's aggregate classification.

Dr. Peter K. Rogan Lab, Western University
No classification provided (evidence only). Condition: Melanoma. Review status: no classification provided. Collection method: in vitro. Allele origin: not applicable. Functional consequence: retained intron. Not counted in ClinVar's aggregate classification.

Dr. Peter K. Rogan Lab, Western University
No classification provided (evidence only). Condition: Melanoma. Review status: no classification provided. Collection method: in vitro. Allele origin: not applicable. Functional consequence: retained intron. Not counted in ClinVar's aggregate classification.

Dr. Peter K. Rogan Lab, Western University
No classification provided (evidence only). Condition: Acute myeloid leukemia. Review status: no classification provided. Collection method: in vitro. Allele origin: not applicable. Functional consequence: retained intron. Not counted in ClinVar's aggregate classification.